The following is an entry in ClinVar:

NM_177438.3(DICER1):c.5570del (p.Leu1857fs)

Gene: DICER1 (dicer 1, ribonuclease III; minus strand). Cytogenetic location: 14q32.13.
Variant type: Deletion.
Coding change: c.5570del on transcript NM_177438.3 (MANE Select); coding-DNA position 5570, one base deleted (T; older notation c.5570delT).
Protein change: p.Leu1857fs; shifts the reading frame from leucine 1857.
Molecular consequence: frameshift variant.
Genome position (GRCh38, 1-based): chr14:95,091,067, A deleted on the plus strand (T on the coding strand, the reverse complement: DICER1 is on the minus strand); the first of 2 consecutive A bases (chr14:95,091,067-95,091,068); deleting either gives the same sequence. VCF-style (leftmost placement, unchanged base first): chr14-95091066-CA-C. GRCh37 (hg19) VCF-style: chr14-95557403-CA-C.
Other names: c.5407del, p.Cys1803fs (NM_001195573.1); c.5570del, p.Leu1857fs (NM_001271282.3, NM_001291628.2, NM_030621.4); short protein forms L1857fs, C1803fs.
Identifiers: ClinVar variation 940316 (VCV000940316.9), dbSNP rs1889760933, ClinGen allele CA1139663683.

ClinVar aggregate classification (germline): Uncertain significance (1 of 4 stars; one submission).

Conditions:
DICER1-related tumor predisposition. Also called: DICER1 syndrome; DICER1-related pleuropulmonary blastoma cancer predisposition syndrome. Identifiers: Orphanet 284343, MedGen C3839822, MONDO:0100216.

Submission:

Labcorp Genetics (formerly Invitae), Labcorp
Classification: Uncertain significance for DICER1-related tumor predisposition. Last evaluated: 2019-09-01. Review status: criteria provided, single submitter. Criteria: Invitae Variant Classification Sherloc (09022015). Collection method: clinical testing. Allele origin: germline.
Comment: In summary, the available evidence is currently insufficient to determine the role of this variant in disease. Therefore, it has been classified as a Variant of Uncertain Significance. This variant has not been reported in the literature in individuals with DICER1-related conditions. This variant is not present in population databases (ExAC no frequency). This sequence change results in a premature translational stop signal in the DICER1 gene (p.Leu1857Cysfs*28). While this is not anticipated to result in nonsense mediated decay, it is expected to disrupt the last 66 amino acids of the DICER1 protein.